The following is an entry in ClinVar:

NM_002470.4(MYH3):c.5087C>T (p.Thr1696Met)

Gene: MYH3 (myosin heavy chain 3; minus strand). Cytogenetic location: 17p13.1.
Variant type: single nucleotide variant.
Coding change: c.5087C>T on transcript NM_002470.4 (MANE Select); coding-DNA position 5087, C replaced by T.
Protein change: p.Thr1696Met; replaces threonine 1696 with methionine.
Molecular consequence: missense variant.
Genome position (GRCh38, 1-based): chr17:10,631,886, G>A on the plus strand (C>T on the coding strand, the complement: MYH3 is on the minus strand). VCF-style: chr17-10631886-G-A. GRCh37 (hg19) VCF-style: chr17-10535203-G-A.
Other names: c.5087C>T (NM_002470.3); short protein forms T1696M.
Identifiers: ClinVar variation 3016855 (VCV003016855.4), dbSNP rs564468476, ClinGen allele CA8392050.
Genomic context (GRCh38, chr17:10,631,886, plus strand): 5'-AGCTGCACCCTCTCGTTGGAGTCCAGGAGCTCCTGTTCCGCCAGTTTCCGGGCCCTCTCC[G>A]TCTGCTCCAGAGTAGCCCGCAGCTCCTCCACCTCGGCCTGCAGCAGGTTGGCTCTGCGCT-3'
Protein context (NP_002461.2, residues 1686-1706): VEELRATLEQ[Thr1696Met]ERARKLAEQE

ClinVar aggregate classification (germline): Uncertain significance. Review status: criteria provided, multiple submitters, no conflicts (2 of 4 stars). 2 submissions from 2 submitters: Uncertain significance (2). Last evaluated 2025-09-24.

Conditions:
Inborn genetic diseases. Identifiers: MedGen C0950123, MeSH D030342.

Allele frequency attached by ClinVar (database versions not stated): ExAC 0.00009; 1000 Genomes Project 30x 0.00031; gnomAD 0.00002; 1000 Genomes Project 0.00040.
gnomAD v4.1: 65 of 1,614,108 alleles (0.004%); highest among the groups gnomAD compares: South Asian, 0.049%; 4 homozygotes.

Submissions (2):

Labcorp Genetics (formerly Invitae), Labcorp
Classification: Uncertain significance. Last evaluated: 2025-09-24. Review status: criteria provided, single submitter. Criteria: Invitae Variant Classification Sherloc (09022015). Collection method: clinical testing. Allele origin: germline.
Comment: This sequence change replaces threonine, which is neutral and polar, with methionine, which is neutral and non-polar, at codon 1696 of the MYH3 protein (p.Thr1696Met). This variant is present in population databases (rs564468476, gnomAD 0.04%). This variant has not been reported in the literature in individuals affected with MYH3-related conditions. ClinVar contains an entry for this variant (Variation ID: 3016855). Invitae Evidence Modeling of protein sequence and biophysical properties (such as structural, functional, and spatial information, amino acid conservation, physicochemical variation, residue mobility, and thermodynamic stability) indicates that this missense variant is not expected to disrupt MYH3 protein function with a negative predictive value of 95%. In summary, the available evidence is currently insufficient to determine the role of this variant in disease. Therefore, it has been classified as a Variant of Uncertain Significance.

Ambry Genetics
Classification: Uncertain significance for Inborn genetic diseases. Last evaluated: 2025-04-12. Review status: criteria provided, single submitter. Criteria: Ambry Variant Classification Scheme 2023. Collection method: clinical testing. Allele origin: germline.